The following is an entry in ClinVar:

ClinVar aggregate classification (germline): Uncertain significance (1 of 4 stars; one submission).

Conditions:
Hereditary cancer-predisposing syndrome. Also called: Neoplastic Syndromes, Hereditary; Tumor predisposition; Hereditary Cancer Syndrome; Hereditary neoplastic syndrome. Identifiers: Orphanet 140162, MedGen C0027672, MeSH D009386, MONDO:0015356.

Allele frequency attached by ClinVar (database versions not stated): gnomAD exomes below 0.00001.
gnomAD v4.1: 1 of 1,613,392 alleles (0.000062%); highest among the groups gnomAD compares: Non-Finnish European, 0.000085%; no homozygotes.

Submission:

Ambry Genetics
Classification: Uncertain significance for Hereditary cancer-predisposing syndrome. Last evaluated: 2022-10-22. Review status: criteria provided, single submitter. Criteria: Ambry Variant Classification Scheme 2023. Collection method: clinical testing. Allele origin: germline.
Comment: The p.N228S variant (also known as c.683A>G), located in coding exon 3 of the TMEM127 gene, results from an A to G substitution at nucleotide position 683. The asparagine at codon 228 is replaced by serine, an amino acid with highly similar properties. This amino acid position is conserved. In addition, this alteration is predicted to be tolerated by in silico analysis. Since supporting evidence is limited at this time, the clinical significance of this alteration remains unclear.

NM_017849.4(TMEM127):c.683A>G (p.Asn228Ser)

Gene: TMEM127 (transmembrane protein 127; minus strand). Cytogenetic location: 2q11.2.
Variant type: single nucleotide variant.
Coding change: c.683A>G on transcript NM_017849.4 (MANE Select); coding-DNA position 683, A replaced by G.
Protein change: p.Asn228Ser; replaces asparagine 228 with serine.
Molecular consequence: missense variant.
Genome position (GRCh38, 1-based): chr2:96,253,842, T>C on the plus strand (A>G on the coding strand, the complement: TMEM127 is on the minus strand). VCF-style: chr2-96253842-T-C. GRCh37 (hg19) VCF-style: chr2-96919580-T-C.
Other names: c.683A>G, p.Asn228Ser (NM_001193304.3); c.431A>G, p.Asn144Ser (NM_001407282.1, NM_001407283.1); short protein forms N228S, N144S.
Identifiers: ClinVar variation 1755723 (VCV001755723.2), dbSNP rs2104282769, ClinGen allele CA347651148.